The following is an entry in ClinVar:

ClinVar aggregate classification (germline): Pathogenic. Review status: criteria provided, multiple submitters, no conflicts (2 of 4 stars). 2 submissions from 2 submitters: Pathogenic (2). Last evaluated 2024-09-09.

Conditions:
Spondyloepiphyseal dysplasia congenita (SEDC). Also called: SED CONGENITA; SPONDYLOEPIPHYSEAL DYSPLASIA, CONGENITAL TYPE. Identifiers: Orphanet 94068, MedGen C2745959, MONDO:0008471, OMIM 183900.

Submissions (2):

GeneDx
Classification: Pathogenic. Last evaluated: 2024-09-09. Review status: criteria provided, single submitter. Criteria: GeneDx Variant Classification Process June 2021. Collection method: clinical testing. Allele origin: germline. Affected: yes.
Comment: Occurs in the triple helical domain and replaces a glycine in a canonical Gly-X-Y repeat; missense substitution of a canonical glycine residue is expected to disrupt normal protein folding and function, and this is an established mechanism of disease (PMID: 34007986); Not observed at significant frequency in large population cohorts (gnomAD); In silico analysis supports that this missense variant has a deleterious effect on protein structure/function; Has not been previously published as pathogenic or benign to our knowledge; This variant is associated with the following publications: (PMID: 34007986)

Victorian Clinical Genetics Services, Murdoch Childrens Research Institute
Classification: Pathogenic for Spondyloepiphyseal dysplasia congenita. Last evaluated: 2022-09-02. Review status: criteria provided, single submitter. Criteria: ACMG Guidelines, 2015. Collection method: clinical testing. Allele origin: germline. Inheritance: Autosomal dominant inheritance. Affected: yes.
Comment: Based on the classification scheme VCGS_Germline_v1.3.4, this variant is classified as Pathogenic. Following criteria are met: 0103 - Dominant negative and loss of function are known mechanisms of disease in this gene and are associated with COL2A1-related disorders. Loss of function variants have been reported to cause Stickler syndrome, whereas missense variants with a dominant negative effect on protein function result in spondyloepiphyseal or spondyloepimetaphyseal dysplasia (OMIM, PMID: 35052477, 15895462). (I) 0107 - This gene is associated with autosomal dominant disease. (I) 0115 - Variants in this gene are known to have variable expressivity (GeneReviews). (I) 0200 - Variant is predicted to result in a missense amino acid change from glycine to arginine. (I) 0251 - This variant is heterozygous. (I) 0301 - Variant is absent from gnomAD (both v2 and v3). (SP) 0501 - Missense variant consistently predicted to be damaging by multiple in silico tools or highly conserved with a major amino acid change. (SP) 0601 - Variant affects the glycine in the well-established functional G-X-Y repeats (DECIPHER). (SP) 0704 - Another missense variant comparable to the one identified in this case has limited previous evidence for pathogenicity. An alternative change to an aspartic acid has been reported in a family with spondyloepiphyseal dysplasia congenita or a related phenotype (PMID: 25604898). (SP) 0803 - This variant has limited previous evidence of pathogenicity in an individual (ClinVar). (SP) 0905 - No published segregation evidence has been identified for this variant. (I) 1007 - No published functional evidence has been identified for this variant. (I) 1208 - Inheritance information for this variant is not currently available in this individual. (I) Legend: (SP) - Supporting pathogenic, (I) - Information, (SB) - Supporting benign

Literature cited by the submitters: PubMed 15895462 (cited by Victorian Clinical Genetics Services, Murdoch Childrens Research Institute); PubMed 25604898 (cited by Victorian Clinical Genetics Services, Murdoch Childrens Research Institute); PubMed 35052477 (cited by Victorian Clinical Genetics Services, Murdoch Childrens Research Institute).

NM_001844.5(COL2A1):c.1105G>C (p.Gly369Arg)

Gene: COL2A1 (collagen type II alpha 1 chain; minus strand). Cytogenetic location: 12q13.11.
Variant type: single nucleotide variant.
Coding change: c.1105G>C on transcript NM_001844.5 (MANE Select); coding-DNA position 1105, G replaced by C.
Protein change: p.Gly369Arg; replaces glycine 369 with arginine.
Molecular consequence: missense variant.
Genome position (GRCh38, 1-based): chr12:47,989,245, C>G on the plus strand (G>C on the coding strand, the complement: COL2A1 is on the minus strand). VCF-style: chr12-47989245-C-G. GRCh37 (hg19) VCF-style: chr12-48383028-C-G.
Other names: c.898G>C, p.Gly300Arg (NM_033150.3); short protein forms G369R, G300R.
Identifiers: ClinVar variation 426498 (VCV000426498.5), dbSNP rs1085307657, ClinGen allele CA384555283.